The following is an entry in ClinVar:

NM_000261.2(MYOC):c.798G>A (p.Lys266=)

Gene: MYOC (myocilin; minus strand). Cytogenetic location: 1q24.3.
Variant type: single nucleotide variant.
Coding change: c.798G>A on transcript NM_000261.2 (MANE Select); coding-DNA position 798, G replaced by A.
Protein change: p.Lys266=; no amino-acid change (lysine 266 retained).
Molecular consequence: synonymous variant.
Genome position (GRCh38, 1-based): chr1:171,636,642, C>T on the plus strand (G>A on the coding strand, the complement: MYOC is on the minus strand). VCF-style: chr1-171636642-C-T. GRCh37 (hg19) VCF-style: chr1-171605782-C-T.
Other names: NM_000261.2:c.798G>A.
Identifiers: ClinVar variation 2498105 (VCV002498105.2), dbSNP rs2527840014, ClinGen allele CA421939061.
Genomic context (GRCh38, chr1:171,636,642, plus strand): 5'-CCACGTGGTCTCCTGGGTGTAGGGGTAGGTGGGCTTGGGGTCTCGCATCCACACACCATA[C>T]TTGCCAGTAATTGTTTCTGCTGTTCTCAGCGTGAGAGGCTCTCCTACCCAAACTAGTTCT-3'
Protein context (NP_000252.1, residues 256-276): TLRTAETITG[Lys266=]YGVWMRDPKP

ClinVar aggregate classification (germline): Uncertain significance (3 of 4 stars; one submission).

Conditions:
Open-angle glaucoma. Identifiers: MedGen C0017612, MONDO:0005338, HP:0012108.

Allele frequency attached by ClinVar (database versions not stated): gnomAD exomes below 0.00001.
gnomAD v4.1: 5 of 1,611,464 alleles (0.00031%); highest among the groups gnomAD compares: African/African-American, 0.0013%; no homozygotes.

Submission:

ClinGen Glaucoma Variant Curation Expert Panel
Classification: Uncertain significance for Open-angle glaucoma. Last evaluated: 2025-10-08. Review status: reviewed by expert panel. Criteria: ClinGen Glaucoma ACMG Specifications V2.0.0 Approved. Collection method: curation. Allele origin: germline. Inheritance: Autosomal dominant inheritance.
Comment: The c.798G>A variant in MYOC is a synonymous variant (p.Lys266=). The highest minor allele frequency of this variant was in the Remaining genetic ancestry group of gnomAD (v4.1.0) = 0.00001600 (1 allele out of 62,492), which met the ≤ 0.0001 threshold set for PM2_Supporting in a genetic ancestry group of at least 10,000 alleles. The SpliceAI score = 0, which met the ≤ 0.1 threshold for BP4, suggesting that the variant does not impact MYOC function. This synonymous variant meets BP4, so BP7 is met. There was no functional evidence predicting a damaging or benign impact of this variant on MYOC function. Only 1 proband with primary open angle glaucoma had been reported (PMID: 9535666), not meeting the ≥ 2 probands threshold required to meet PS4_Supporting. In summary, this variant met the criteria to receive a score of -1 and to be classified as a variant of uncertain significance (uncertain significance classification range -1 to 5, adapted from PMID: 32720330) for primary open angle glaucoma based on the ACMG/AMP criteria met, as specified by the ClinGen Glaucoma VCEP (v2.0.0, 5 Dec 2024): BP4, BP7, PM2_Supporting.